The following is an entry in ClinVar:

ClinVar aggregate classification (germline): Pathogenic/Likely pathogenic. Review status: criteria provided, multiple submitters, no conflicts (2 of 4 stars). 4 submissions from 4 submitters: Pathogenic (3); Likely pathogenic (1). Last evaluated 2025-12-17.

Conditions:
Familial cancer of breast. Also called: BREAST CANCER, FAMILIAL; hereditary breast carcinoma; Hereditary breast cancer. Identifiers: Orphanet 227535, MedGen C0346153, MONDO:0016419, OMIM 114480. Disease mechanism: loss of function.
Hereditary cancer-predisposing syndrome. Also called: Neoplastic Syndromes, Hereditary; Hereditary neoplastic syndrome; Tumor predisposition; Hereditary Cancer Syndrome. Identifiers: Orphanet 140162, MedGen C0027672, MeSH D009386, MONDO:0015356.
Ataxia-telangiectasia syndrome (AT). Also called: AT, COMPLEMENTATION GROUP C; ATAXIA-TELANGIECTASIA, COMPLEMENTATION GROUP A; ATAXIA-TELANGIECTASIA, FRESNO VARIANT; LOUIS-BAR SYNDROME; Ataxia-telangiectasia; Cerebello-oculocutaneous telangiectasia. Identifiers: Orphanet 100, MedGen C0004135, MONDO:0008840, OMIM 208900.

Submissions (4):

Labcorp Genetics (formerly Invitae), Labcorp
Classification: Pathogenic for Ataxia-telangiectasia syndrome. Last evaluated: 2025-12-17. Review status: criteria provided, single submitter. Criteria: Invitae Variant Classification Sherloc (09022015). Collection method: clinical testing. Allele origin: germline.
Comment: This sequence change creates a premature translational stop signal (p.Tyr705*) in the ATM gene. It is expected to result in an absent or disrupted protein product. Loss-of-function variants in ATM are known to be pathogenic (PMID: 23807571, 25614872). This variant is not present in population databases (gnomAD no frequency). This premature translational stop signal has been observed in individual(s) with ataxia-telangiectasia (PMID: 29492593). ClinVar contains an entry for this variant (Variation ID: 389328). For these reasons, this variant has been classified as Pathogenic.

Myriad Genetics, Inc.
Classification: Pathogenic for Familial cancer of breast. Last evaluated: 2024-01-17. Review status: criteria provided, single submitter. Criteria: Myriad Autosomal Dominant, Autosomal Recessive and X-Linked Classification Criteria (2023). Collection method: clinical testing. Allele origin: unknown.
Comment: This variant is considered pathogenic. This variant creates a termination codon and is predicted to result in premature protein truncation.

Ambry Genetics
Classification: Pathogenic for Hereditary cancer-predisposing syndrome. Last evaluated: 2022-02-09. Review status: criteria provided, single submitter. Criteria: Ambry Variant Classification Scheme 2023. Collection method: clinical testing. Allele origin: germline.
Comment: The p.Y705* pathogenic mutation (also known as c.2115C>G), located in coding exon 12 of the ATM gene, results from a C to G substitution at nucleotide position 2115. This changes the amino acid from a tyrosine to a stop codon within coding exon 12. This variant is considered to be rare based on population cohorts in the Genome Aggregation Database (gnomAD). In addition to the clinical data presented in the literature, this alteration is expected to result in loss of function by premature protein truncation or nonsense-mediated mRNA decay. As such, this alteration is interpreted as a disease-causing mutation.

GeneDx
Classification: Likely pathogenic. Last evaluated: 2016-09-23. Review status: criteria provided, single submitter. Criteria: GeneDx Variant Classification (06012015). Collection method: clinical testing. Allele origin: germline. Affected: yes.
Comment: This variant is denoted ATM c.2115C>G at the cDNA level and p.Tyr705Ter (Y705X) at the protein level. The substitution creates a nonsense variant, which changes a Tyrosine to a premature stop codon (TAC>TAG), and is predicted to cause loss of normal protein function through either protein truncation or nonsense-mediated mRNA decay. Although this variant has not, to our knowledge, been reported in the literature, it is considered to be a likely pathogenic variant.

Literature cited by the submitters: PubMed 23807571 (cited by Labcorp Genetics (formerly Invitae), Labcorp); PubMed 25614872 (cited by Labcorp Genetics (formerly Invitae), Labcorp); PubMed 29492593 (cited by Labcorp Genetics (formerly Invitae), Labcorp and Ambry Genetics).

NM_000051.4(ATM):c.2115C>G (p.Tyr705Ter)

Gene: ATM (ATM serine/threonine kinase; plus strand). Cytogenetic location: 11q22.3.
Variant type: single nucleotide variant.
Coding change: c.2115C>G on transcript NM_000051.4 (MANE Select); coding-DNA position 2115, C replaced by G.
Protein change: p.Tyr705Ter; replaces tyrosine 705 with a stop codon.
Molecular consequence: nonsense.
Genome position (GRCh38, 1-based): chr11:108,254,030, C>G. VCF-style: chr11-108254030-C-G. GRCh37 (hg19) VCF-style: chr11-108124757-C-G.
Other names: c.2115C>G, p.Tyr705Ter (NM_001351834.2); short protein forms Y705*.
Identifiers: ClinVar variation 389328 (VCV000389328.9), dbSNP rs876659149, ClinGen allele CA16606161.
Genomic context (GRCh38, chr11:108,254,030, plus strand): 5'-TCTCAAGGAATCACTGGATCGCTGTCTTCTGGGATTATCAGAACAGCTTCTGAATAATTA[C>G]TCATCTGAGGTGAGATTTTTTAAAAAAAGAACTAAGCTTATATATGATTCAACTTTGGTA-3'